The following is an entry in ClinVar:

NM_015164.4(PLEKHM2):c.22G>A (p.Asp8Asn)

Gene: PLEKHM2 (pleckstrin homology and RUN domain containing M2; plus strand). Cytogenetic location: 1p36.21.
Variant type: single nucleotide variant.
Coding change: c.22G>A on transcript NM_015164.4 (MANE Select); coding-DNA position 22, G replaced by A.
Protein change: p.Asp8Asn; replaces aspartic acid 8 with asparagine.
Molecular consequence: missense variant.
Genome position (GRCh38, 1-based): chr1:15,684,580, G>A. VCF-style: chr1-15684580-G-A. GRCh37 (hg19) VCF-style: chr1-16011075-G-A.
Other names: c.22G>A, p.Asp8Asn (NM_001410755.1); short protein forms D8N.
Identifiers: ClinVar variation 2988941 (VCV002988941.3), dbSNP rs1387982717, ClinGen allele CA338572469.

ClinVar aggregate classification (germline): Uncertain significance (1 of 4 stars; one submission).

gnomAD v4.1: 1 of 1,310,488 alleles (0.000076%); no homozygotes.

Submission:

Labcorp Genetics (formerly Invitae), Labcorp
Classification: Uncertain significance. Last evaluated: 2023-11-24. Review status: criteria provided, single submitter. Criteria: Invitae Variant Classification Sherloc (09022015). Collection method: clinical testing. Allele origin: germline.
Comment: This sequence change replaces aspartic acid, which is acidic and polar, with asparagine, which is neutral and polar, at codon 8 of the PLEKHM2 protein (p.Asp8Asn). This variant is not present in population databases (gnomAD no frequency). This variant has not been reported in the literature in individuals affected with PLEKHM2-related conditions. An algorithm developed to predict the effect of missense changes on protein structure and function (PolyPhen-2) suggests that this variant is likely to be tolerated. In summary, the available evidence is currently insufficient to determine the role of this variant in disease. Therefore, it has been classified as a Variant of Uncertain Significance.